The following is an entry in ClinVar:

ClinVar aggregate classification (germline): Likely benign (1 of 4 stars; one submission).

Submission:

CeGaT Center for Human Genetics Tuebingen
Classification: Likely benign. Last evaluated: 2024-11-01. Review status: criteria provided, single submitter. Criteria: CeGaT Center For Human Genetics Tuebingen Variant Classification Criteria Version 2. Collection method: clinical testing. Allele origin: germline. Affected: yes. Observed: 1 variant allele.
Comment: MAP3K15: PM2:Supporting, BP4, BP7

NM_001001671.4(MAP3K15):c.3867C>A (p.Leu1289=)

Genes: MAP3K15 (mitogen-activated protein kinase kinase kinase 15; minus strand), PDHA1 (pyruvate dehydrogenase E1 subunit alpha 1; plus strand). Cytogenetic location: Xp22.12.
Variant type: single nucleotide variant.
Coding change: c.3867C>A on transcript NM_001001671.4 (MANE Select); coding-DNA position 3867, C replaced by A.
Protein change: p.Leu1289=; no amino-acid change (leucine 1289 retained).
Molecular consequence: synonymous variant. On other transcripts: 3 prime UTR variant (4).
Genome position (GRCh38, 1-based): chrX:19,360,824, G>T on the plus strand (C>A on the coding strand, the complement: MAP3K15 is on the minus strand). VCF-style: chrX-19360824-G-T. GRCh37 (hg19) VCF-style: chrX-19378942-G-T.
Other names: c.*1171G>T (NM_000284.4, NM_001173454.2, NM_001173455.2 and 1 more transcripts).
Identifiers: ClinVar variation 3389435 (VCV003389435.14).